The following is an entry in ClinVar:

ClinVar aggregate classification (germline): Conflicting classifications of pathogenicity. Review status: criteria provided, conflicting classifications (1 of 4 stars). 3 submissions from 3 submitters: Uncertain significance (2); Likely benign (1). Last evaluated 2025-12-15.

Conditions:
Hereditary cancer-predisposing syndrome. Also called: Tumor predisposition; Hereditary neoplastic syndrome; Neoplastic Syndromes, Hereditary; Hereditary Cancer Syndrome. Identifiers: Orphanet 140162, MedGen C0027672, MeSH D009386, MONDO:0015356.
Tuberous sclerosis 1 (TSC1). Identifiers: Orphanet 805, MedGen C1854465, MONDO:0008612, OMIM 191100.

Allele frequency attached by ClinVar (database versions not stated): ExAC 0.00001; gnomAD 0.00001; gnomAD exomes 0.00001.
gnomAD v4.1: 7 of 1,609,810 alleles (0.00043%); highest among the groups gnomAD compares: South Asian, 0.0077%; no homozygotes.

Submissions (3):

Labcorp Genetics (formerly Invitae), Labcorp
Classification: Likely benign for Tuberous sclerosis 1. Last evaluated: 2025-12-15. Review status: criteria provided, single submitter. Criteria: Invitae Variant Classification Sherloc (09022015). Collection method: clinical testing. Allele origin: germline.

Ambry Genetics
Classification: Uncertain significance for Hereditary cancer-predisposing syndrome. Last evaluated: 2025-11-26. Review status: criteria provided, single submitter. Criteria: Ambry Variant Classification Scheme 2023. Collection method: clinical testing. Allele origin: germline.
Comment: The p.Q897L variant (also known as c.2690A>T), located in coding exon 19 of the TSC1 gene, results from an A to T substitution at nucleotide position 2690. The glutamine at codon 897 is replaced by leucine, an amino acid with dissimilar properties. This amino acid position is well conserved in available vertebrate species. In addition, this alteration is predicted to be tolerated by in silico analysis. Based on the available evidence, the clinical significance of this variant remains unclear.

Blueprint Genetics
Classification: Uncertain significance. Last evaluated: 2024-05-28. Review status: criteria provided, single submitter. Criteria: ACMG Guidelines, 2015. Collection method: clinical testing. Allele origin: germline.

NM_000368.5(TSC1):c.2690A>T (p.Gln897Leu)

Gene: TSC1 (TSC complex subunit 1; minus strand). Cytogenetic location: 9q34.13.
Variant type: single nucleotide variant.
Coding change: c.2690A>T on transcript NM_000368.5 (MANE Select); coding-DNA position 2690, A replaced by T.
Protein change: p.Gln897Leu; replaces glutamine 897 with leucine.
Molecular consequence: missense variant.
Genome position (GRCh38, 1-based): chr9:132,897,546, T>A on the plus strand (A>T on the coding strand, the complement: TSC1 is on the minus strand). VCF-style: chr9-132897546-T-A. GRCh37 (hg19) VCF-style: chr9-135772933-T-A.
Other names: c.2687A>T, p.Gln896Leu (NM_001162426.2); c.2537A>T, p.Gln846Leu (NM_001162427.2); c.2327A>T, p.Gln776Leu (NM_001362177.2); c.2690A>T (NM_000368.4); short protein forms Q897L, Q776L, Q846L, Q896L.
Identifiers: ClinVar variation 1412482 (VCV001412482.11), dbSNP rs772324460, ClinGen allele CA034305.